The following is an entry in ClinVar:

NM_000441.2(SLC26A4):c.2100A>G (p.Ile700Met)

Genes: SLC26A4 (solute carrier family 26 member 4; plus strand), LOC123956210 (Sharpr-MPRA regulatory region 3291; plus strand). Cytogenetic location: 7q22.3.
Variant type: single nucleotide variant.
Coding change: c.2100A>G on transcript NM_000441.2 (MANE Select); coding-DNA position 2100, A replaced by G.
Protein change: p.Ile700Met; replaces isoleucine 700 with methionine.
Molecular consequence: missense variant.
Genome position (GRCh38, 1-based): chr7:107,710,064, A>G. VCF-style: chr7-107710064-A-G. GRCh37 (hg19) VCF-style: chr7-107350509-A-G.
Other names: short protein forms I700M.
Identifiers: ClinVar variation 379535 (VCV000379535.1), dbSNP rs1057520633, ClinGen allele CA16605617.

ClinVar aggregate classification (germline): Likely benign (1 of 4 stars; one submission).

Allele frequency attached by ClinVar (database versions not stated): gnomAD 0.00001; gnomAD exomes 0.00001.
gnomAD v4.1: 22 of 1,613,240 alleles (0.0014%); highest among the groups gnomAD compares: East Asian, 0.049%; no homozygotes.

Submission:

GeneDx
Classification: Likely benign. Last evaluated: 2015-04-09. Review status: criteria provided, single submitter. Criteria: GeneDx Variant Classification (06012015). Collection method: clinical testing. Allele origin: germline. Affected: yes.
Comment: This variant is considered likely benign or benign based on one or more of the following criteria: it is a conservative change, it occurs at a poorly conserved position in the protein, it is predicted to be benign by multiple in silico algorithms, and/or has population frequency not consistent with disease.